The following is an entry in ClinVar:

ClinVar aggregate classification (germline): Uncertain significance (1 of 4 stars; one submission).

Submission:

Labcorp Genetics (formerly Invitae), Labcorp
Classification: Uncertain significance. Last evaluated: 2023-12-13. Review status: criteria provided, single submitter. Criteria: Invitae Variant Classification Sherloc (09022015). Collection method: clinical testing. Allele origin: germline.
Comment: This sequence change replaces glutamic acid, which is acidic and polar, with glycine, which is neutral and non-polar, at codon 2740 of the TRRAP protein (p.Glu2740Gly). This variant is not present in population databases (gnomAD no frequency). This variant has not been reported in the literature in individuals affected with TRRAP-related conditions. Advanced modeling of protein sequence and biophysical properties (such as structural, functional, and spatial information, amino acid conservation, physicochemical variation, residue mobility, and thermodynamic stability) performed at Invitae indicates that this missense variant is not expected to disrupt TRRAP protein function with a negative predictive value of 80%. In summary, the available evidence is currently insufficient to determine the role of this variant in disease. Therefore, it has been classified as a Variant of Uncertain Significance.

NM_001375524.1(TRRAP):c.8294A>G (p.Glu2765Gly)

Gene: TRRAP (transformation/transcription domain associated protein; plus strand). Cytogenetic location: 7q22.1.
Variant type: single nucleotide variant.
Coding change: c.8294A>G on transcript NM_001375524.1 (MANE Select); coding-DNA position 8294, A replaced by G.
Protein change: p.Glu2765Gly; replaces glutamic acid 2765 with glycine.
Molecular consequence: missense variant.
Genome position (GRCh38, 1-based): chr7:98,976,985, A>G. VCF-style: chr7-98976985-A-G. GRCh37 (hg19) VCF-style: chr7-98574608-A-G.
Other names: c.8273A>G, p.Glu2758Gly (NM_001244580.2); c.8219A>G, p.Glu2740Gly (NM_003496.4); short protein forms E2740G, E2758G, E2765G.
Identifiers: ClinVar variation 2702652 (VCV002702652.3), dbSNP rs2484949609, ClinGen allele CA368304596.